The following is an entry in ClinVar:

ClinVar aggregate classification (germline): Pathogenic/Likely pathogenic. Review status: criteria provided, multiple submitters, no conflicts (2 of 4 stars). 8 submissions from 8 submitters: Pathogenic (3); Likely pathogenic (3). 2 of the submissions do not count toward it. Last evaluated 2025-10-09.

Conditions:
Inborn genetic diseases. Identifiers: MedGen C0950123, MeSH D030342.
SETD5-related disorder. Also called: SETD5-related disorders; SETD5-related condition.
Intellectual disability-facial dysmorphism syndrome due to SETD5 haploinsufficiency (MRD23). Also called: Intellectual developmental disorder, autosomal dominant 23. Identifiers: Orphanet 404440, MedGen C3810406, MONDO:0014336, OMIM 615761.

gnomAD v4.1: 1 of 1,613,922 alleles (0.000062%); highest among the groups gnomAD compares: Non-Finnish European, 0.000085%; no homozygotes.

Submissions (8):

Ambry Genetics
Classification: Pathogenic for Inborn genetic diseases. Last evaluated: 2025-10-09. Review status: criteria provided, single submitter. Criteria: Ambry Variant Classification Scheme 2023. Collection method: clinical testing. Allele origin: germline.
Comment: The c.922C>T (p.R308*) alteration, located in exon 9 (coding exon 7) of the SETD5 gene, consists of a C to T substitution at nucleotide position 922. This changes the amino acid from a arginine (R) to a stop codon at amino acid position 308. This alteration is expected to result in loss of function by premature protein truncation or nonsense-mediated mRNA decay. This variant was not reported in population-based cohorts in the Genome Aggregation Database (gnomAD). This variant was determined to be de novo in at least one individual with features consistent with SETD5-related neurodevelopmental disorder (Rosina, 2024). Based on the available evidence, this alteration is classified as pathogenic.

Department of Genetics, Rouen University Hospital, Normandy Center for Genomic and Personalized Medicine
Classification: Likely pathogenic for Intellectual disability-facial dysmorphism syndrome due to SETD5 haploinsufficiency. Last evaluated: 2024-04-23. Review status: criteria provided, single submitter. Criteria: ACMG Guidelines, 2015. Collection method: clinical testing. Allele origin: unknown. Affected: yes.

Blueprint Genetics
Classification: Pathogenic for SETD5-related disorders. Last evaluated: 2023-09-28. Review status: criteria provided, single submitter. Criteria: ACMG Guidelines, 2015. Collection method: clinical testing. Allele origin: de novo. Affected: yes. Observed: 3 variant alleles.

Pittsburgh Clinical Genomics Laboratory, University of Pittsburgh Medical Center
Classification: Likely pathogenic for Intellectual disability-facial dysmorphism syndrome due to SETD5 haploinsufficiency. Last evaluated: 2023-08-08. Review status: criteria provided, single submitter. Criteria: ACMG Guidelines, 2015. Collection method: clinical testing. Allele origin: germline. Inheritance: Autosomal dominant inheritance. Affected: yes.
Comment: This sequence variant is a single nucleotide substitution (C>T) in exon 9 of 23 of the SETD5 gene and generates an early termition codon at amino acid residue 308 of the SET domain containing 5 protein. This variant is predicted to generate a non-functiol allele through either the expression of a truncated protein or a loss of SET domain containing 5 expression due to nonsense mediated decay. This is a previously reported variant (ClinVar 620169) that has been observed in individual(s) affected by neurodevelopmental disorders (PMID: 27824329, 28191890). This variant is absent from the gnomAD population database (0/~250,000 alleles). Haploinsufficiency in SETD5 is a known mechanism of disease. Based upon the evidence, we consider this variant to be likely pathogenic. ACMG Criteria: PM2, PVS1

GeneDx
Classification: Pathogenic. Last evaluated: 2022-12-19. Review status: criteria provided, single submitter. Criteria: GeneDx Variant Classification Process June 2021. Collection method: clinical testing. Allele origin: germline. Affected: yes.
Comment: Nonsense variant predicted to result in protein truncation or nonsense mediated decay in a gene for which loss of function is a known mechanism of disease; Not observed at significant frequency in large population cohorts (gnomAD); This variant is associated with the following publications: (PMID: 28191890, 28714951, 27824329, 25363760, 31981491, 31785789)

Mendelics
Classification: Likely pathogenic for Intellectual disability-facial dysmorphism syndrome due to SETD5 haploinsufficiency. Last evaluated: 2019-05-28. Review status: criteria provided, single submitter. Criteria: Mendelics Assertion Criteria 2017. Collection method: clinical testing. Allele origin: unknown.

PreventionGenetics, part of Exact Sciences
Classification: Pathogenic for SETD5-related condition. Last evaluated: 2024-03-28. Review status: no assertion criteria provided. Collection method: clinical testing. Allele origin: germline. Not counted in ClinVar's aggregate classification.
Comment: The SETD5 c.922C>T variant is predicted to result in premature protein termination (p.Arg308*). This variant has been frequently reported to occur de novo in individuals presenting with autism spectrum disorder (Table S6, Wang. 2016. PubMed ID: 27824329; Table S3, De Rubeis. 2014. PubMed ID: 25363760; Table S2, Turner. 2019. PubMed ID: 31785789). This variant has not been reported in a large population database, indicating this variant is rare. Nonsense variants in SETD5 are expected to be pathogenic. This variant is interpreted as pathogenic.

Molecular Genetics laboratory, Necker Hospital
Classification: Pathogenic. Last evaluated: 2021-03-10. Review status: no assertion criteria provided. Collection method: clinical testing. Allele origin: de novo. Affected: yes. Not counted in ClinVar's aggregate classification.

Literature cited by the submitters: PubMed 38041506 (cited by Ambry Genetics); PubMed 28191890 (cited by Pittsburgh Clinical Genomics Laboratory, University of Pittsburgh Medical Center); PubMed 27824329 (cited by Pittsburgh Clinical Genomics Laboratory, University of Pittsburgh Medical Center).

NM_001080517.3(SETD5):c.922C>T (p.Arg308Ter)

Gene: SETD5 (SET domain containing 5; plus strand). Cytogenetic location: 3p25.3.
Variant type: single nucleotide variant.
Coding change: c.922C>T on transcript NM_001080517.3 (MANE Select); coding-DNA position 922, C replaced by T.
Protein change: p.Arg308Ter; replaces arginine 308 with a stop codon.
Molecular consequence: nonsense.
Genome position (GRCh38, 1-based): chr3:9,441,704, C>T. VCF-style: chr3-9441704-C-T. GRCh37 (hg19) VCF-style: chr3-9483388-C-T.
Other names: c.628C>T, p.Arg210Ter (NM_001292043.2, NM_001349451.2); c.922C>T (NM_001080517.2); short protein forms R308*, R210*.
Identifiers: ClinVar variation 620169 (VCV000620169.9), dbSNP rs1421204500, ClinGen allele CA351688960.